The following is an entry in ClinVar:

NM_153252.5(BRWD3):c.431-5T>C

Gene: BRWD3 (bromodomain and WD repeat domain containing 3; minus strand). Cytogenetic location: Xq21.1.
Variant type: single nucleotide variant.
Coding change: c.431-5T>C on transcript NM_153252.5 (MANE Select); 5 bases into the intron before coding-DNA position 431, T replaced by C.
Molecular consequence: intron variant.
Genome position (GRCh38, 1-based): chrX:80,745,734, A>G on the plus strand (T>C on the coding strand, the complement: BRWD3 is on the minus strand). VCF-style: chrX-80745734-A-G. GRCh37 (hg19) VCF-style: chrX-80001233-A-G.
Identifiers: ClinVar variation 3252953 (VCV003252953.1), dbSNP rs2520559272.
Genomic context (GRCh38, chrX:80,745,734, plus strand): 5'-GAAAATATGACCAAAGCGACTACAGCCGGTTAATTGCCTGGCAGAGGTGATATTCACTGA[A>G]AAAAATACGAAATTAACTTAAAACTTAAAAGTGAAACTGATTTCATGAAATTAAGTCATA-3'

ClinVar aggregate classification (germline): Uncertain significance (1 of 4 stars; one submission).

Submission:

GeneDx
Classification: Uncertain significance. Last evaluated: 2024-03-26. Review status: criteria provided, single submitter. Criteria: GeneDx Variant Classification Process June 2021. Collection method: clinical testing. Allele origin: germline. Affected: yes.
Comment: Not observed at significant frequency in large population cohorts (gnomAD); Has not been previously published as pathogenic or benign to our knowledge; In silico analysis is inconclusive as to whether the variant alters gene splicing. In the absence of RNA/functional studies, the actual effect of this sequence change is unknown.